The following is an entry in ClinVar:

ClinVar aggregate classification (germline): Pathogenic/Likely pathogenic. Review status: criteria provided, multiple submitters, no conflicts (2 of 4 stars). 3 submissions from 3 submitters: Pathogenic (1); Likely pathogenic (2). Last evaluated 2024-04-16.

Conditions:
Early Myoclonic Encephalopathy. Identifiers: MedGen C0270855.
Neurodevelopmental disorder. Identifiers: MedGen C1535926, MeSH D065886, MONDO:0700092.
KCND2-related neurodevelopmental disorder.

Submissions (3):

Labcorp Genetics (formerly Invitae), Labcorp
Classification: Pathogenic for Early Myoclonic Encephalopathy. Last evaluated: 2024-04-16. Review status: criteria provided, single submitter. Criteria: Invitae Variant Classification Sherloc (09022015). Collection method: clinical testing. Allele origin: germline.
Comment: This sequence change replaces proline, which is neutral and non-polar, with alanine, which is neutral and non-polar, at codon 403 of the KCND2 protein (p.Pro403Ala). This variant is not present in population databases (gnomAD no frequency). This missense change has been observed in individual(s) with clinical features of KCND2-related conditions (PMID: 34245260). In at least one individual the variant was observed to be de novo. ClinVar contains an entry for this variant (Variation ID: 1005965). Advanced modeling of protein sequence and biophysical properties (such as structural, functional, and spatial information, amino acid conservation, physicochemical variation, residue mobility, and thermodynamic stability) has been performed at Invitae for this missense variant, however the output from this modeling did not meet the statistical confidence thresholds required to predict the impact of this variant on KCND2 protein function. Experimental studies have shown that this missense change affects KCND2 function (PMID: 19171772, 34245260). This variant disrupts the p.Pro403 amino acid residue in KCND2. Other variant(s) that disrupt this residue have been determined to be pathogenic (Invitae). This suggests that this residue is clinically significant, and that variants that disrupt this residue are likely to be disease-causing. For these reasons, this variant has been classified as Pathogenic.

3billion
Classification: Likely pathogenic for KCND2-related neurodevelopmental disorder. Last evaluated: 2023-06-12. Review status: criteria provided, single submitter. Criteria: ACMG Guidelines, 2015. Collection method: clinical testing. Allele origin: germline. Affected: yes.
Comment: The variant is not observed in the gnomAD v2.1.1 dataset. Predicted Consequence/Location: Missense changes are a common disease-causing mechanism. Functional studies provide moderate evidence of the variant having a damaging effect on the gene or gene product (PMID: 34245260). In silico tool predictions suggest damaging effect of the variant on gene or gene product (REVEL: 0.84; 3Cnet: 0.87). Same nucleotide change resulting in same amino acid change has been previously reported to be associated with KCND2 related disorder (PMID: 34245260).Different missense changes at the same codon (p.Pro403Arg, p.Pro403Leu) have been reported as pathogenic/likely pathogenic with strong evidence (ClinVar ID: VCV001009567 /PMID: 31130284). Therefore, this variant is classified as Likely pathogenic according to the recommendation of ACMG/AMP guideline.

Laboratory for Molecular Medicine, Mass General Brigham Personalized Medicine
Classification: Likely pathogenic for Neurodevelopmental disorder. Last evaluated: 2022-01-14. Review status: criteria provided, single submitter. Criteria: ACMG Guidelines, 2015. Collection method: clinical testing. Allele origin: germline. Inheritance: Autosomal dominant inheritance.
Comment: The p.Pro403Ala variant in KCND2 has been reported in 2 individuals with global developmental delay, vision impairment, and hypotonia, including one confirmed de novo occurrence (Zhang 2021 PMID: 34245260, Broad Institute Rare Genomes Project). This variant was absent from large population studies and has been reported in ClinVar (Variation ID 1005965). Computational prediction tools and conservation analyses suggest that this variant may impact the protein. In vitro functional studies also provide some evidence that it impacts protein function (Zhang 2021 PMID: 34245260). Finally, different changes at this position (p.Pro403Arg) and an adjacent position (p.Val404Leu, p.Val404Met) have occurred de novo individuals with overlapping phenotypes, indicating that changes to this region are not tolerated (Monies 2019 PMID: 31130284, Zhang 2021 PMID: 34245260). In summary, although additional studies are required to fully establish its clinical significance, this variant meets criteria to be classified as likely pathogenic for autosomal dominant KCND2-related neurodevelopmental disorder. ACMG/AMP Criteria applied: PM2_Supporting, PP3, PS3_Supporting, PS4_Supporting, PS2_Moderate.

Literature cited by the submitters: PubMed 34245260 (cited by 3 submitters); PubMed 19171772 (cited by Labcorp Genetics (formerly Invitae), Labcorp); PubMed 31130284 (cited by 3billion and Laboratory for Molecular Medicine, Mass General Brigham Personalized Medicine).

NM_012281.3(KCND2):c.1207C>G (p.Pro403Ala)

Gene: KCND2 (potassium voltage-gated channel subfamily D member 2; plus strand). Cytogenetic location: 7q31.31.
Variant type: single nucleotide variant.
Coding change: c.1207C>G on transcript NM_012281.3 (MANE Select); coding-DNA position 1207, C replaced by G.
Protein change: p.Pro403Ala; replaces proline 403 with alanine.
Molecular consequence: missense variant.
Genome position (GRCh38, 1-based): chr7:120,732,994, C>G. VCF-style: chr7-120732994-C-G. GRCh37 (hg19) VCF-style: chr7-120373048-C-G.
Other names: short protein forms P403A.
Identifiers: ClinVar variation 1005965 (VCV001005965.9), dbSNP rs1792826036, ClinGen allele CA369134172.